The following is an entry in ClinVar:

NM_014855.3(AP5Z1):c.894C>T (p.Phe298=)

Gene: AP5Z1 (adaptor related protein complex 5 subunit zeta 1; plus strand). Cytogenetic location: 7p22.1.
Variant type: single nucleotide variant.
Coding change: c.894C>T on transcript NM_014855.3 (MANE Select); coding-DNA position 894, C replaced by T.
Protein change: p.Phe298=; no amino-acid change (phenylalanine 298 retained).
Molecular consequence: synonymous variant. On other transcripts: non-coding transcript variant (1).
Genome position (GRCh38, 1-based): chr7:4,785,011, C>T. VCF-style: chr7-4785011-C-T. GRCh37 (hg19) VCF-style: chr7-4824642-C-T.
Other names: c.426C>T, p.Phe142= (NM_001364858.1).
Identifiers: ClinVar variation 698575 (VCV000698575.36), dbSNP rs777233282, ClinGen allele CA4137441.
Genomic context (GRCh38, chr7:4,785,011, plus strand): 5'-CGCCACCTCCTCTGCCGGCCGCCTGCTGCCGCCCCGGGAGCGGCTTCGGGAGGTGGCCTT[C>T]GAGTACTGCCAGCGCCTCATTGAGCAAAGTAACCGACGTGAGTCCCCCACCCAGGGCACT-3'
Protein context (NP_055670.1, residues 288-308): PPRERLREVA[Phe298=]EYCQRLIEQS

ClinVar aggregate classification (germline): Conflicting classifications of pathogenicity. Review status: criteria provided, conflicting classifications (1 of 4 stars). 4 submissions from 4 submitters: Uncertain significance (1); Likely benign (3). Last evaluated 2025-12-11.

Conditions:
Hereditary spastic paraplegia. Also called: Familial spastic paraparesis. Identifiers: Orphanet 685, MedGen C0037773, MONDO:0019064. Disease mechanism: loss of function.
Hereditary spastic paraplegia 48. Also called: SPASTIC PARAPLEGIA 48, AUTOSOMAL RECESSIVE; Spastic paraplegia 48. Identifiers: Orphanet 306511, MedGen C3150901, MONDO:0013342, OMIM 613647.

Allele frequency attached by ClinVar (database versions not stated): ExAC 0.00001; gnomAD exomes 0.00002 and 0.00004; gnomAD 0.00004; TOPMed 0.00005.

Submissions (4):

Labcorp Genetics (formerly Invitae), Labcorp
Classification: Likely benign for Hereditary spastic paraplegia 48. Last evaluated: 2025-12-11. Review status: criteria provided, single submitter. Criteria: Invitae Variant Classification Sherloc (09022015). Collection method: clinical testing. Allele origin: germline.

CeGaT Center for Human Genetics Tuebingen
Classification: Likely benign. Last evaluated: 2022-09-01. Review status: criteria provided, single submitter. Criteria: CeGaT Center For Human Genetics Tuebingen Variant Classification Criteria Version 2. Collection method: clinical testing. Allele origin: germline. Affected: yes. Observed: 1 variant allele.
Comment: AP5Z1: BP4, BP7

Athena Diagnostics
Classification: Likely benign. Last evaluated: 2021-02-18. Review status: criteria provided, single submitter. Criteria: Athena Diagnostics criteria. Collection method: clinical testing. Allele origin: unknown.

Genome Diagnostics Laboratory, The Hospital for Sick Children
Classification: Uncertain significance for Hereditary spastic paraplegia. Last evaluated: 2017-07-06. Review status: criteria provided, single submitter. Criteria: ACMG Guidelines, 2015. Collection method: clinical testing. Allele origin: germline. Affected: yes.